The following is an entry in ClinVar:

NM_006767.4(LZTR1):c.1488_1489insG (p.Pro497fs)

Gene: LZTR1 (leucine zipper like post translational regulator 1; plus strand). Cytogenetic location: 22q11.21.
Variant type: Insertion.
Coding change: c.1488_1489insG on transcript NM_006767.4 (MANE Select); coding-DNA positions 1488 to 1489, G inserted.
Protein change: p.Pro497fs; shifts the reading frame from proline 497.
Molecular consequence: frameshift variant.
Genome position: GRCh38 VCF-style: chr22-20994142-C-CG. GRCh37 (hg19) VCF-style: chr22-21348431-C-CG.
Other names: short protein forms P497fs.
Identifiers: ClinVar variation 2702356 (VCV002702356.3), dbSNP rs2518620804, ClinGen allele CA2697547691.

ClinVar aggregate classification (germline): Pathogenic (1 of 4 stars; one submission).

Submission:

Labcorp Genetics (formerly Invitae), Labcorp
Classification: Pathogenic. Last evaluated: 2023-12-12. Review status: criteria provided, single submitter. Criteria: Invitae Variant Classification Sherloc (09022015). Collection method: clinical testing. Allele origin: germline.
Comment: This sequence change creates a premature translational stop signal (p.Pro497Alafs*172) in the LZTR1 gene. It is expected to result in an absent or disrupted protein product. Loss-of-function variants in LZTR1 are known to be pathogenic (PMID: 24362817, 25335493, 25480913, 25795793, 29469822, 30368668, 30442762, 30442766, 30481304, 30859559). This variant is not present in population databases (gnomAD no frequency). This variant has not been reported in the literature in individuals affected with LZTR1-related conditions. For these reasons, this variant has been classified as Pathogenic.

Literature cited by the submitters: PubMed 24362817; PubMed 25335493; PubMed 25480913; PubMed 25795793; PubMed 29469822; PubMed 30368668; PubMed 30442762; PubMed 30442766; PubMed 30481304; PubMed 30859559.